The following is an entry in ClinVar:

ClinVar aggregate classification (germline): Uncertain significance (1 of 4 stars; one submission).

Conditions:
D-2-hydroxyglutaric aciduria 1 (D2HGA1). Identifiers: Orphanet 79315, MedGen C3152055, MONDO:0024554, OMIM 600721.

Allele frequency attached by ClinVar (database versions not stated): gnomAD exomes below 0.00001 and 0.00003; gnomAD 0.00001; ExAC 0.00003; 1000 Genomes Project 30x 0.00016; 1000 Genomes Project 0.00020.
gnomAD v4.1: 6 of 1,612,770 alleles (0.00037%); highest among the groups gnomAD compares: East Asian, 0.013%; no homozygotes.

Submission:

Labcorp Genetics (formerly Invitae), Labcorp
Classification: Uncertain significance for D-2-hydroxyglutaric aciduria 1. Last evaluated: 2021-04-02. Review status: criteria provided, single submitter. Criteria: Invitae Variant Classification Sherloc (09022015). Collection method: clinical testing. Allele origin: germline.
Comment: This variant has not been reported in the literature in individuals with D2HGDH-related conditions. In summary, the available evidence is currently insufficient to determine the role of this variant in disease. Therefore, it has been classified as a Variant of Uncertain Significance. Algorithms developed to predict the effect of missense changes on protein structure and function (SIFT, PolyPhen-2, Align-GVGD) all suggest that this variant is likely to be tolerated, but these predictions have not been confirmed by published functional studies and their clinical significance is uncertain. This variant is present in population databases (rs527825722, ExAC 0.04%). This sequence change replaces proline with serine at codon 451 of the D2HGDH protein (p.Pro451Ser). The proline residue is weakly conserved and there is a moderate physicochemical difference between proline and serine.

NM_152783.5(D2HGDH):c.1351C>T (p.Pro451Ser)

Gene: D2HGDH (D-2-hydroxyglutarate dehydrogenase; plus strand). Cytogenetic location: 2q37.3.
Variant type: single nucleotide variant.
Coding change: c.1351C>T on transcript NM_152783.5 (MANE Select); coding-DNA position 1351, C replaced by T.
Protein change: p.Pro451Ser; replaces proline 451 with serine.
Molecular consequence: missense variant. On other transcripts: non-coding transcript variant (1).
Genome position (GRCh38, 1-based): chr2:241,767,754, C>T. VCF-style: chr2-241767754-C-T. GRCh37 (hg19) VCF-style: chr2-242707169-C-T.
Other names: c.949C>T, p.Pro317Ser (NM_001287249.2); c.790C>T, p.Pro264Ser (NM_001352824.2); short protein forms P264S, P317S, P451S.
Identifiers: ClinVar variation 1448519 (VCV001448519.6), dbSNP rs527825722, ClinGen allele CA2222210.